The following is an entry in ClinVar:

NM_000373.4(UMPS):c.1038A>G (p.Pro346=)

Gene: UMPS (uridine monophosphate synthetase; plus strand). Cytogenetic location: 3q21.2.
Variant type: single nucleotide variant.
Coding change: c.1038A>G on transcript NM_000373.4 (MANE Select); coding-DNA position 1038, A replaced by G.
Protein change: p.Pro346=; no amino-acid change (proline 346 retained).
Molecular consequence: synonymous variant. On other transcripts: non-coding transcript variant (2).
Genome position (GRCh38, 1-based): chr3:124,740,079, A>G. VCF-style: chr3-124740079-A-G. GRCh37 (hg19) VCF-style: chr3-124458926-A-G.
Identifiers: ClinVar variation 342932 (VCV000342932.16), dbSNP rs17843835, ClinGen allele CA2581788.

ClinVar aggregate classification (germline): Benign. Review status: criteria provided, multiple submitters, no conflicts (2 of 4 stars). 3 submissions from 3 submitters: Benign (3). Last evaluated 2025-10-21.

Conditions:
Hereditary orotic aciduria, type 1. Also called: Orotic aciduria type 1; Oroticaciduria 1. Identifiers: MedGen C0268130.
Oroticaciduria. Also called: Orotic aciduria. Identifiers: Orphanet 30, MedGen C0268128, HP:0003218.

Allele frequency attached by ClinVar (database versions not stated): gnomAD exomes 0.00139 and 0.00380; ExAC 0.00440; 1000 Genomes Project 0.01278; 1000 Genomes Project 30x 0.01296; gnomAD 0.01508 and 0.01610; TOPMed 0.01749; ESP Exome Variant Server 0.01761.
gnomAD v4.1: 4,493 of 1,614,136 alleles (0.28%); highest among the groups gnomAD compares: African/African-American, 5.1%; 116 homozygotes.

Submissions (3):

Labcorp Genetics (formerly Invitae), Labcorp
Classification: Benign for Hereditary orotic aciduria, type 1. Last evaluated: 2025-10-21. Review status: criteria provided, single submitter. Criteria: Invitae Variant Classification Sherloc (09022015). Collection method: clinical testing. Allele origin: germline.

Illumina Laboratory Services, Illumina
Classification: Benign for Hereditary orotic aciduria. Last evaluated: 2018-01-13. Review status: criteria provided, single submitter. Criteria: ICSL Variant Classification Criteria 13 December 2019. Collection method: clinical testing. Allele origin: germline.
Comment: This variant was observed in the ICSL laboratory as part of a predisposition screen in an ostensibly healthy population. It had not been previously curated by ICSL or reported in the Human Gene Mutation Database (HGMD: prior to June 1st, 2018), and was therefore a candidate for classification through an automated scoring system. Utilizing variant allele frequency, disease prevalence and penetrance estimates, and inheritance mode, an automated score was calculated to assess if this variant is too frequent to cause the disease. Based on the score and internal cut-off values, a variant classified as benign is not then subjected to further curation. The score for this variant resulted in a classification of benign for this disease.

Breakthrough Genomics
Classification: Benign. Review status: criteria provided, single submitter. Criteria: ACMG Guidelines, 2015. Collection method: not provided. Allele origin: germline. Inheritance: Autosomal recessive inheritance. Affected: yes.